The following is an entry in ClinVar:

NM_013245.3(VPS4A):c.1097C>T (p.Pro366Leu)

Gene: VPS4A (vacuolar protein sorting 4 homolog A; plus strand). Cytogenetic location: 16q22.1.
Variant type: single nucleotide variant.
Coding change: c.1097C>T on transcript NM_013245.3 (MANE Select); coding-DNA position 1097, C replaced by T.
Protein change: p.Pro366Leu; replaces proline 366 with leucine.
Molecular consequence: missense variant.
Genome position (GRCh38, 1-based): chr16:69,322,585, C>T. VCF-style: chr16-69322585-C-T. GRCh37 (hg19) VCF-style: chr16-69356488-C-T.
Other names: short protein forms P366L.
Identifiers: ClinVar variation 5020244 (VCV005020244.1).

ClinVar aggregate classification (germline): Uncertain significance (1 of 4 stars; one submission).

gnomAD v4.1: 1 of 1,613,686 alleles (0.000062%); no homozygotes.

Submission:

Dasa
Classification: Uncertain significance. Last evaluated: 2026-07-04. Review status: criteria provided, single submitter. Criteria: DASA Assertion Criteria. Collection method: clinical testing. Allele origin: germline.
Comment: NM_013245.3(VPS4A):c.1097C>T (p.Pro366Leu) is a missense variant that results in the substitution of proline with leucine. This variant is rare in population databases. The currently available literature and clinical evidence are not sufficient to establish a definitive association between this variant and the reported condition. Therefore, this variant is classified as a variant of uncertain significance.